The following is an entry in ClinVar:

ClinVar aggregate classification (germline): Likely benign. Review status: criteria provided, multiple submitters, no conflicts (2 of 4 stars). 3 submissions from 3 submitters: Likely benign (3). Last evaluated 2025-11-25.

Conditions:
Inborn genetic diseases. Identifiers: MedGen C0950123, MeSH D030342.

Allele frequency attached by ClinVar (database versions not stated): ExAC 0.00003; gnomAD exomes 0.00004; ESP Exome Variant Server 0.00008; gnomAD 0.00012; 1000 Genomes Project 30x 0.00016; 1000 Genomes Project 0.00020.
gnomAD v4.1: 49 of 1,614,092 alleles (0.003%); highest among the groups gnomAD compares: African/African-American, 0.044%; no homozygotes.

Submissions (3):

Labcorp Genetics (formerly Invitae), Labcorp
Classification: Likely benign. Last evaluated: 2025-11-25. Review status: criteria provided, single submitter. Criteria: Invitae Variant Classification Sherloc (09022015). Collection method: clinical testing. Allele origin: germline.

Ambry Genetics
Classification: Likely benign for Inborn genetic diseases. Last evaluated: 2024-07-27. Review status: criteria provided, single submitter. Criteria: Ambry Variant Classification Scheme 2023. Collection method: clinical testing. Allele origin: germline.

CeGaT Center for Human Genetics Tuebingen
Classification: Likely benign. Last evaluated: 2022-05-01. Review status: criteria provided, single submitter. Criteria: CeGaT Center For Human Genetics Tuebingen Variant Classification Criteria Version 2. Collection method: clinical testing. Allele origin: germline. Affected: yes. Observed: 1 variant allele.
Comment: FN1: BS2

NM_212482.4(FN1):c.412G>A (p.Ala138Thr)

Gene: FN1 (fibronectin 1; minus strand). Cytogenetic location: 2q35.
Variant type: single nucleotide variant.
Coding change: c.412G>A on transcript NM_212482.4 (MANE Select); coding-DNA position 412, G replaced by A.
Protein change: p.Ala138Thr; replaces alanine 138 with threonine.
Molecular consequence: missense variant.
Genome position (GRCh38, 1-based): chr2:215,433,327, C>T on the plus strand (G>A on the coding strand, the complement: FN1 is on the minus strand). VCF-style: chr2-215433327-C-T. GRCh37 (hg19) VCF-style: chr2-216298050-C-T.
Other names: c.412G>A, p.Ala138Thr (NM_001306129.2, NM_001306130.2, NM_001306131.2 and 14 more transcripts); c.412G>A (NM_212482.1); short protein forms A138T.
Identifiers: ClinVar variation 1057038 (VCV001057038.33), dbSNP rs375792347, ClinGen allele CA2095584.
Genomic context (GRCh38, chr2:215,433,327, plus strand): 5'-TAACAGAGAAATTCATATTTGATATTTTGGCATCATTTTACACAATCTCTTCCTTACTTG[C>T]GATGGTACAGCTTATTCTCCCTCGCCCAGCCCCGATGCAGGTACAGTCCCAGATCATGGA-3'
Protein context (NP_997647.2, residues 128-148): AGRGRISCTI[Ala138Thr]NRCHEGGQSY